The following is an entry in ClinVar:

NM_000038.6(APC):c.6823A>T (p.Lys2275Ter)

Gene: APC (APC regulator of Wnt signaling pathway; plus strand). Cytogenetic location: 5q22.2.
Variant type: single nucleotide variant.
Coding change: c.6823A>T on transcript NM_000038.6 (MANE Select); coding-DNA position 6823, A replaced by T.
Protein change: p.Lys2275Ter; replaces lysine 2275 with a stop codon.
Molecular consequence: nonsense. On other transcripts: non-coding transcript variant (2).
Genome position (GRCh38, 1-based): chr5:112,842,417, A>T. VCF-style: chr5-112842417-A-T. GRCh37 (hg19) VCF-style: chr5-112178114-A-T.
Other names: c.6823A>T, p.Lys2275Ter (NM_001127510.3, NM_001354895.2, NM_001407450.1); c.6769A>T, p.Lys2257Ter (NM_001127511.3); c.6877A>T, p.Lys2293Ter (NM_001354896.2, NM_001407447.1, NM_001407448.1 and 1 more transcripts); c.6853A>T, p.Lys2285Ter (NM_001354897.2); c.6748A>T, p.Lys2250Ter (NM_001354898.2); c.6739A>T, p.Lys2247Ter (NM_001354899.2); c.6700A>T, p.Lys2234Ter (NM_001354900.2); c.6646A>T, p.Lys2216Ter (NM_001354901.2, NM_001407453.1); and 11 more; short protein forms K1891*, K1992*, K2115*, K2146*, K2149*, K2174*, K2184*, K2192*.
Identifiers: ClinVar variation 3387040 (VCV003387040.2).

ClinVar aggregate classification (germline): Pathogenic. Review status: criteria provided, multiple submitters, no conflicts (2 of 4 stars). 2 submissions from 2 submitters: Pathogenic (2). Last evaluated 2024-07-29.

Conditions:
Classic or attenuated familial adenomatous polyposis. Identifiers: MedGen CN372698, MONDO:0021057.
Hereditary cancer-predisposing syndrome. Also called: Neoplastic Syndromes, Hereditary; Hereditary Cancer Syndrome; Tumor predisposition; Hereditary neoplastic syndrome. Identifiers: Orphanet 140162, MedGen C0027672, MeSH D009386, MONDO:0015356.

Submissions (2):

All of Us Research Program, National Institutes of Health
Classification: Pathogenic for Classic or attenuated familial adenomatous polyposis. Last evaluated: 2024-07-29. Review status: criteria provided, single submitter. Criteria: ACMG Guidelines, 2015. Collection method: clinical testing. Allele origin: germline. Inheritance: Autosomal dominant inheritance. Observed: 1 variant allele, 1 heterozygote.
Comment: This variant changes 1 nucleotide in exon 16 of the APC gene, creating a premature translation stop signal in the last coding exon. This variant is predicted to escape nonsense-mediated decay and be expressed as a truncated protein. Although functional studies have not been reported, this variant is expected to disrupt several domains including the basic and the EB1/DLG binding domains (PMID: 11257105 ). To our knowledge, this variant has not been reported in individuals affected with APC-related disorders in the literature. This variant has not been identified in the general population by the Genome Aggregation Database (gnomAD). Loss of APC function is a known mechanism of disease. Based on the available evidence, this variant is classified as Pathogenic.

This study involves interpretation of variants in research participants for the purpose of population health screening. Participant phenotype was not available at the time of variant classification. Additional details can be found in publication PMID: 35346344, PMCID: PMC8962531

Color Diagnostics, LLC DBA Color Health
Classification: Pathogenic for Hereditary cancer-predisposing syndrome. Last evaluated: 2024-05-08. Review status: criteria provided, single submitter. Criteria: ACMG Guidelines, 2015. Collection method: clinical testing. Allele origin: germline.
Comment: This variant changes 1 nucleotide in exon 16 of the APC gene, creating a premature translation stop signal in the last coding exon. This variant is predicted to escape nonsense-mediated decay and be expressed as a truncated protein. Although functional studies have not been reported, this variant is expected to disrupt several domains including the basic and the EB1/DLG binding domains (PMID: 11257105 ). To our knowledge, this variant has not been reported in individuals affected with APC-related disorders in the literature. This variant has not been identified in the general population by the Genome Aggregation Database (gnomAD). Loss of APC function is a known mechanism of disease. Based on the available evidence, this variant is classified as Pathogenic.

Literature cited by the submitters: PubMed 11257105 (cited by All of Us Research Program, National Institutes of Health and Color Diagnostics, LLC DBA Color Health).